The following is an entry in ClinVar:

NM_145068.4(TRPV3):c.1680G>A (p.Ala560=)

Gene: TRPV3 (transient receptor potential cation channel subfamily V member 3; minus strand). Cytogenetic location: 17p13.2.
Variant type: single nucleotide variant.
Coding change: c.1680G>A on transcript NM_145068.4 (MANE Select); coding-DNA position 1680, G replaced by A.
Protein change: p.Ala560=; no amino-acid change (alanine 560 retained).
Molecular consequence: synonymous variant.
Genome position (GRCh38, 1-based): chr17:3,524,261, C>T on the plus strand (G>A on the coding strand, the complement: TRPV3 is on the minus strand). VCF-style: chr17-3524261-C-T. GRCh37 (hg19) VCF-style: chr17-3427555-C-T.
Other names: c.1680G>A, p.Ala560= (NM_001258205.2); c.1680G>A (NM_145068.2).
Identifiers: ClinVar variation 1694811 (VCV001694811.36), dbSNP rs371090552, ClinGen allele CA8289358.

ClinVar aggregate classification (germline): Likely benign. Review status: criteria provided, multiple submitters, no conflicts (2 of 4 stars). 4 submissions from 4 submitters: Likely benign (4). Last evaluated 2026-01-18.

Conditions:
Inborn genetic diseases. Identifiers: MedGen C0950123, MeSH D030342.

Allele frequency attached by ClinVar (database versions not stated): ESP Exome Variant Server 0.00008; gnomAD exomes 0.00009 and 0.00012; ExAC 0.00013; gnomAD 0.00023; TOPMed 0.00023.
gnomAD v4.1: 168 of 1,614,248 alleles (0.01%); highest among the groups gnomAD compares: Admixed American, 0.035%; no homozygotes.

Submissions (4):

Labcorp Genetics (formerly Invitae), Labcorp
Classification: Likely benign. Last evaluated: 2026-01-18. Review status: criteria provided, single submitter. Criteria: Invitae Variant Classification Sherloc (09022015). Collection method: clinical testing. Allele origin: germline.

Ambry Genetics
Classification: Likely benign for Inborn genetic diseases. Last evaluated: 2024-09-27. Review status: criteria provided, single submitter. Criteria: Ambry Variant Classification Scheme 2023. Collection method: clinical testing. Allele origin: germline.

Blueprint Genetics
Classification: Likely benign. Last evaluated: 2024-05-06. Review status: criteria provided, single submitter. Criteria: ACMG Guidelines, 2015. Collection method: clinical testing. Allele origin: germline.

CeGaT Center for Human Genetics Tuebingen
Classification: Likely benign. Last evaluated: 2022-07-01. Review status: criteria provided, single submitter. Criteria: CeGaT Center For Human Genetics Tuebingen Variant Classification Criteria Version 2. Collection method: clinical testing. Allele origin: germline. Affected: yes. Observed: 1 variant allele.
Comment: TRPV3: BP4, BP7